The following is an entry in ClinVar:

NM_001211.6(BUB1B):c.273A>T (p.Gln91His)

Gene: BUB1B (BUB1 mitotic checkpoint serine/threonine kinase B; plus strand). Cytogenetic location: 15q15.1.
Variant type: single nucleotide variant.
Coding change: c.273A>T on transcript NM_001211.6 (MANE Select); coding-DNA position 273, A replaced by T.
Protein change: p.Gln91His; replaces glutamine 91 with histidine.
Molecular consequence: missense variant.
Genome position (GRCh38, 1-based): chr15:40,170,570, A>T. VCF-style: chr15-40170570-A-T. GRCh37 (hg19) VCF-style: chr15-40462771-A-T.
Other names: short protein forms Q91H.
Identifiers: ClinVar variation 403753 (VCV000403753.10), dbSNP rs751056896, ClinGen allele CA7475441.
Genomic context (GRCh38, chr15:40,170,570, plus strand): 5'-TGTTCTTATCTTTTTCCTCCCATTTAGGTATATCAGCTGGACAGAGCAGAACTATCCTCA[A>T]GGTGGGAAGGAGAGTAATATGTCAACGTTATTAGAAAGAGCTGTAGAAGCACTACAAGGA-3'
Protein context (NP_001202.5, residues 81-101): YISWTEQNYP[Gln91His]GGKESNMSTL

ClinVar aggregate classification (germline): Uncertain significance (1 of 4 stars; one submission).

Conditions:
Mosaic variegated aneuploidy syndrome 1 (MVA1). Also called: Warburton-Anyane-Yeboa syndrome. Identifiers: Orphanet 1052, MedGen C1850343, MONDO:0009759, OMIM 257300.

Allele frequency attached by ClinVar (database versions not stated): TOPMed 0.00001.
gnomAD v4.1: 10 of 1,613,564 alleles (0.00062%); highest among the groups gnomAD compares: East Asian, 0.022%; no homozygotes.

Submission:

Labcorp Genetics (formerly Invitae), Labcorp
Classification: Uncertain significance for Mosaic variegated aneuploidy syndrome 1. Last evaluated: 2022-07-19. Review status: criteria provided, single submitter. Criteria: Invitae Variant Classification Sherloc (09022015). Collection method: clinical testing. Allele origin: germline.
Comment: This variant has not been reported in the literature in individuals affected with BUB1B-related conditions. In summary, the available evidence is currently insufficient to determine the role of this variant in disease. Therefore, it has been classified as a Variant of Uncertain Significance. Algorithms developed to predict the effect of missense changes on protein structure and function are either unavailable or do not agree on the potential impact of this missense change (SIFT: "Deleterious"; PolyPhen-2: "Benign"; Align-GVGD: "Class C0"). ClinVar contains an entry for this variant (Variation ID: 403753). This variant is present in population databases (rs751056896, gnomAD 0.02%). This sequence change replaces glutamine, which is neutral and polar, with histidine, which is basic and polar, at codon 91 of the BUB1B protein (p.Gln91His).